The following is an entry in ClinVar:

NM_000157.4(GBA1):c.939C>T (p.His313=)

Genes: GBA1 (glucosylceramidase beta 1; minus strand), LOC106627981 (GBA recombination region; plus strand). Cytogenetic location: 1q22.
Variant type: single nucleotide variant.
Coding change: c.939C>T on transcript NM_000157.4 (MANE Select); coding-DNA position 939, C replaced by T.
Protein change: p.His313=; no amino-acid change (histidine 313 retained).
Molecular consequence: synonymous variant.
Genome position (GRCh38, 1-based): chr1:155,237,401, G>A on the plus strand (C>T on the coding strand, the complement: GBA1 is on the minus strand). VCF-style: chr1-155237401-G-A. GRCh37 (hg19) VCF-style: chr1-155207192-G-A.
Other names: c.939C>T, p.His313= (NM_001005741.3, NM_001005742.3); c.678C>T, p.His226= (NM_001171811.2); c.792C>T, p.His264= (NM_001171812.2).
Identifiers: ClinVar variation 3389508 (VCV003389508.14).
Genomic context (GRCh38, chr1:155,237,401, plus strand): 5'-CACCTTTGCCCAGTGGGGCAGCAGCAAGCGTTGGTCATCCAGCATGAGTAGGCGGACATT[G>A]TGGTGAGTACTGTTGGCGAGGGTAGGACCTAGGTCACGGGCAATGAAGTCTCGCTGATGT-3'
Protein context (NP_000148.2, residues 303-323): LGPTLANSTH[His313=]NVRLLMLDDQ

ClinVar aggregate classification (germline): Likely benign (1 of 4 stars; one submission).

gnomAD v4.1: 1 of 1,614,020 alleles (0.000062%); highest among the groups gnomAD compares: Non-Finnish European, 0.000085%; no homozygotes.

Submission:

CeGaT Center for Human Genetics Tuebingen
Classification: Likely benign. Last evaluated: 2024-09-01. Review status: criteria provided, single submitter. Criteria: CeGaT Center For Human Genetics Tuebingen Variant Classification Criteria Version 2. Collection method: clinical testing. Allele origin: germline. Affected: yes. Observed: 1 variant allele.
Comment: GBA1: BP4, BP7